The following is an entry in ClinVar:

ClinVar aggregate classification (germline): Uncertain significance. Review status: criteria provided, multiple submitters, no conflicts (2 of 4 stars). 3 submissions from 3 submitters: Uncertain significance (3). Last evaluated 2023-11-23.

Conditions:
Cardiovascular phenotype. Identifiers: MedGen CN230736.
Progressive familial heart block type IB (PFHB1B). Identifiers: Orphanet 871, MedGen C1970298, MONDO:0011474, OMIM 604559.

Allele frequency attached by ClinVar (database versions not stated): ESP Exome Variant Server 0.00008; ExAC 0.00001; gnomAD exomes 0.00001; TOPMed 0.00001; gnomAD 0.00002.
gnomAD v4.1: 24 of 1,613,358 alleles (0.0015%); highest among the groups gnomAD compares: Non-Finnish European, 0.0019%; no homozygotes.

Submissions (3):

Ambry Genetics
Classification: Uncertain significance for Cardiovascular phenotype. Last evaluated: 2023-11-23. Review status: criteria provided, single submitter. Criteria: Ambry Variant Classification Scheme 2023. Collection method: clinical testing. Allele origin: germline.
Comment: The p.S387N variant (also known as c.1160G>A), located in coding exon 10 of the TRPM4 gene, results from a G to A substitution at nucleotide position 1160. The serine at codon 387 is replaced by asparagine, an amino acid with highly similar properties. This amino acid position is not well conserved in available vertebrate species. In addition, this alteration is predicted to be tolerated by in silico analysis. Since supporting evidence is limited at this time, the clinical significance of this alteration remains unclear.

Labcorp Genetics (formerly Invitae), Labcorp
Classification: Uncertain significance for Progressive familial heart block type IB. Last evaluated: 2022-08-31. Review status: criteria provided, single submitter. Criteria: Invitae Variant Classification Sherloc (09022015). Collection method: clinical testing. Allele origin: germline.
Comment: This sequence change replaces serine, which is neutral and polar, with asparagine, which is neutral and polar, at codon 387 of the TRPM4 protein (p.Ser387Asn). This variant is present in population databases (rs376261717, gnomAD 0.002%). This variant has not been reported in the literature in individuals affected with TRPM4-related conditions. ClinVar contains an entry for this variant (Variation ID: 1471059). Algorithms developed to predict the effect of missense changes on protein structure and function are either unavailable or do not agree on the potential impact of this missense change (SIFT: "Deleterious"; PolyPhen-2: "Possibly Damaging"; Align-GVGD: "Class C0"). In summary, the available evidence is currently insufficient to determine the role of this variant in disease. Therefore, it has been classified as a Variant of Uncertain Significance.

Blueprint Genetics
Classification: Uncertain significance. Last evaluated: 2022-06-15. Review status: criteria provided, single submitter. Criteria: ACMG Guidelines, 2015. Collection method: clinical testing. Allele origin: germline.

NM_017636.4(TRPM4):c.1160G>A (p.Ser387Asn)

Gene: TRPM4 (transient receptor potential cation channel subfamily M member 4; plus strand). Cytogenetic location: 19q13.33.
Variant type: single nucleotide variant.
Coding change: c.1160G>A on transcript NM_017636.4 (MANE Select); coding-DNA position 1160, G replaced by A.
Protein change: p.Ser387Asn; replaces serine 387 with asparagine.
Molecular consequence: missense variant. On other transcripts: 5 prime UTR variant (1), intron variant (1).
Genome position (GRCh38, 1-based): chr19:49,181,358, G>A. VCF-style: chr19-49181358-G-A. GRCh37 (hg19) VCF-style: chr19-49684615-G-A.
Other names: c.1160G>A, p.Ser387Asn (NM_001195227.2); c.815G>A, p.Ser272Asn (NM_001321281.2); c.-394G>A (NM_001321282.2); c.638G>A, p.Ser213Asn (NM_001321283.2); c.202-1220G>A (NM_001321285.2); short protein forms S213N, S272N, S387N.
Identifiers: ClinVar variation 1471059 (VCV001471059.11), dbSNP rs376261717, ClinGen allele CA9569110.
Genomic context (GRCh38, chr19:49,181,358, plus strand): 5'-GATGTCCCTCCTCCCCTGACTTCTTGTCCCCTCTCCCTCTAATCCTTCCAGCCTGTGGGA[G>A]CTCGGAGGCCTCAGCCTACCTGGATGAGCTGCGTTTGGCTGTGGCTTGGAACCGCGTGGA-3'
Protein context (NP_060106.2, residues 377-397): VLKALVKACG[Ser387Asn]SEASAYLDEL